The following is an entry in ClinVar:

ClinVar aggregate classification (germline): Benign/Likely benign. Review status: criteria provided, multiple submitters, no conflicts (2 of 4 stars). 3 submissions from 3 submitters: Benign (2); Likely benign (1). Last evaluated 2026-07-01.

Conditions:
Cataract 4 multiple types. Also called: CATARACT 4, MULTIPLE TYPES, WITH OR WITHOUT MICROCORNEA; CATARACT 4 WITH MICROCORNEA; CATARACT 4, PUNCTATE; CATARACT 4, CRYSTALLINE; CATARACT 4, CENTRAL NUCLEAR; CATARACT 4, NONNUCLEAR POLYMORPHIC CONGENITAL. Identifiers: Orphanet 1377, MedGen C3540850, MONDO:0007281, OMIM 115700.
Aculeiform cataract (CTRCT4). Also called: Fasciculiform cataract; Frosted cataract; Needle-shaped cataract. Identifiers: MedGen C1861832, HP:0010926.

Allele frequency attached by ClinVar (database versions not stated): gnomAD 0.00011; gnomAD exomes 0.00014 and 0.00067; TOPMed 0.00034; ExAC 0.00066.

Submissions (3):

CeGaT Center for Human Genetics Tuebingen
Classification: Likely benign. Last evaluated: 2026-07-01. Review status: criteria provided, single submitter. Criteria: CeGaT Center For Human Genetics Tuebingen Variant Classification Criteria Version 2. Collection method: clinical testing. Allele origin: germline. Affected: yes. Observed: 1 variant allele.
Comment: CRYGD: BP4, BP7, BS1

Labcorp Genetics (formerly Invitae), Labcorp
Classification: Benign for Aculeiform cataract. Last evaluated: 2022-08-27. Review status: criteria provided, single submitter. Criteria: Invitae Variant Classification Sherloc (09022015). Collection method: clinical testing. Allele origin: germline.

Illumina Laboratory Services, Illumina
Classification: Benign for Cataract 4 multiple types. Last evaluated: 2018-01-12. Review status: criteria provided, single submitter. Criteria: ICSL Variant Classification Criteria 13 December 2019. Collection method: clinical testing. Allele origin: germline.
Comment: This variant was observed in the ICSL laboratory as part of a predisposition screen in an ostensibly healthy population. It had not been previously curated by ICSL or reported in the Human Gene Mutation Database (HGMD: prior to June 1st, 2018), and was therefore a candidate for classification through an automated scoring system. Utilizing variant allele frequency, disease prevalence and penetrance estimates, and inheritance mode, an automated score was calculated to assess if this variant is too frequent to cause the disease. Based on the score and internal cut-off values, a variant classified as benign is not then subjected to further curation. The score for this variant resulted in a classification of benign for this disease.

NM_006891.4(CRYGD):c.499C>T (p.Leu167=)

Genes: CRYGD (crystallin gamma D; minus strand), LOC100507443 (uncharacterized LOC100507443; plus strand). Cytogenetic location: 2q33.3.
Variant type: single nucleotide variant.
Coding change: c.499C>T on transcript NM_006891.4 (MANE Select); coding-DNA position 499, C replaced by T.
Protein change: p.Leu167=; no amino-acid change (leucine 167 retained).
Molecular consequence: synonymous variant.
Genome position (GRCh38, 1-based): chr2:208,121,699, G>A on the plus strand (C>T on the coding strand, the complement: CRYGD is on the minus strand). VCF-style: chr2-208121699-G-A. GRCh37 (hg19) VCF-style: chr2-208986423-G-A.
Identifiers: ClinVar variation 333867 (VCV000333867.17), dbSNP rs774626835, ClinGen allele CA2077621.